The following is an entry in ClinVar:

NM_014956.5(CEP164):c.15C>T (p.Pro5=)

Gene: CEP164 (centrosomal protein 164; plus strand). Cytogenetic location: 11q23.3.
Variant type: single nucleotide variant.
Coding change: c.15C>T on transcript NM_014956.5 (MANE Select); coding-DNA position 15, C replaced by T.
Protein change: p.Pro5=; no amino-acid change (proline 5 retained).
Molecular consequence: synonymous variant.
Genome position (GRCh38, 1-based): chr11:117,338,601, C>T. VCF-style: chr11-117338601-C-T. GRCh37 (hg19) VCF-style: chr11-117209317-C-T.
Other names: c.15C>T, p.Pro5= (NM_001271933.2); c.15C>T (NM_014956.4).
Identifiers: ClinVar variation 2059045 (VCV002059045.6), dbSNP rs2540314871, ClinGen allele CA476893838.

ClinVar aggregate classification (germline): Conflicting classifications of pathogenicity. Review status: criteria provided, conflicting classifications (1 of 4 stars). 3 submissions from 3 submitters: Uncertain significance (1); Likely benign (2). Last evaluated 2026-09-21.

Conditions:
CEP164-related disorder. Also called: CEP164-related condition.
Nephronophthisis 15 (NPHP15). Identifiers: Orphanet 3156, MedGen C3541853, MONDO:0013917, OMIM 614845.

Submissions (3):

PreventionGenetics, part of Exact Sciences
Classification: Likely benign for CEP164-related condition. Last evaluated: 2026-09-21. Review status: criteria provided, single submitter. Criteria: ACMG Guidelines, 2015. Collection method: clinical testing. Allele origin: germline.
Comment: This variant is classified as likely benign based on ACMG/AMP sequence variant interpretation guidelines (Richards et al. 2015 PMID: 25741868, with internal and published modifications).

Fulgent Genetics
Classification: Uncertain significance for Nephronophthisis 15. Last evaluated: 2024-05-04. Review status: criteria provided, single submitter. Criteria: ACMG Guidelines, 2015. Collection method: clinical testing. Allele origin: germline.

Labcorp Genetics (formerly Invitae), Labcorp
Classification: Likely benign for Nephronophthisis 15. Last evaluated: 2022-07-05. Review status: criteria provided, single submitter. Criteria: Invitae Variant Classification Sherloc (09022015). Collection method: clinical testing. Allele origin: germline.